The following is an entry in ClinVar:

ClinVar aggregate classification (germline): Uncertain significance (1 of 4 stars; one submission).

Submission:

GeneDx
Classification: Uncertain significance. Last evaluated: 2024-04-15. Review status: criteria provided, single submitter. Criteria: GeneDx Variant Classification Process June 2021. Collection method: clinical testing. Allele origin: germline. Affected: yes.
Comment: Not observed at significant frequency in large population cohorts (gnomAD); In silico analysis supports that this missense variant has a deleterious effect on protein structure/function; Has not been previously published as pathogenic or benign to our knowledge; In silico analysis suggests this variant may impact gene splicing. In the absence of RNA/functional studies, the actual effect of this sequence change is unknown.

NM_006218.4(PIK3CA):c.25G>A (p.Glu9Lys)

Gene: PIK3CA (phosphatidylinositol-4,5-bisphosphate 3-kinase catalytic subunit alpha; plus strand). Cytogenetic location: 3q26.32.
Variant type: single nucleotide variant.
Coding change: c.25G>A on transcript NM_006218.4 (MANE Select); coding-DNA position 25, G replaced by A.
Protein change: p.Glu9Lys; replaces glutamic acid 9 with lysine.
Molecular consequence: missense variant.
Genome position (GRCh38, 1-based): chr3:179,198,850, G>A. VCF-style: chr3-179198850-G-A. GRCh37 (hg19) VCF-style: chr3-178916638-G-A.
Other names: short protein forms E9K.
Identifiers: ClinVar variation 3372567 (VCV003372567.1).